The following is an entry in ClinVar:

NM_001042492.3(NF1):c.4561T>C (p.Tyr1521His)

Gene: NF1 (neurofibromin 1; plus strand). Cytogenetic location: 17q11.2.
Variant type: single nucleotide variant.
Coding change: c.4561T>C on transcript NM_001042492.3 (MANE Select); coding-DNA position 4561, T replaced by C.
Protein change: p.Tyr1521His; replaces tyrosine 1521 with histidine.
Molecular consequence: missense variant.
Genome position (GRCh38, 1-based): chr17:31,260,499, T>C. VCF-style: chr17-31260499-T-C. GRCh37 (hg19) VCF-style: chr17-29587517-T-C.
Other names: c.4498T>C, p.Tyr1500His (NM_000267.4); short protein forms Y1500H, Y1521H.
Identifiers: ClinVar variation 4800766 (VCV004800766.1).
Genomic context (GRCh38, chr17:31,260,499, plus strand): 5'-GACGGCAATGTGCTTGCTTTACATCGTCTACTCTGGAACAATCAGGAGAAAATTGGGCAG[T>C]ATCTTTCCAGCAACAGGTAAGATTTCCCAGTCATGGGGATAGTGAACACTCTCCGTTTAA-3'
Protein context (NP_001035957.1, residues 1511-1531): LWNNQEKIGQ[Tyr1521His]LSSNRDHKAV

ClinVar aggregate classification (germline): Uncertain significance (1 of 4 stars; one submission).

Conditions:
Neurofibromatosis, type 1 (NF1). Also called: VON RECKLINGHAUSEN DISEASE; Neurofibromatosis, type I; NEUROFIBROMATOSIS, TYPE I, SOMATIC; Peripheral type neurofibromatosis. Identifiers: Orphanet 636, MedGen C0027831, MONDO:0018975, OMIM 162200. Disease mechanism: loss of function.

Submission:

Labcorp Genetics (formerly Invitae), Labcorp
Classification: Uncertain significance for Neurofibromatosis, type 1. Last evaluated: 2025-05-07. Review status: criteria provided, single submitter. Criteria: Invitae Variant Classification Sherloc (09022015). Collection method: clinical testing. Allele origin: germline.
Comment: This sequence change replaces tyrosine, which is neutral and polar, with histidine, which is basic and polar, at codon 1500 of the NF1 protein (p.Tyr1500His). This variant is not present in population databases (gnomAD no frequency). This variant has not been reported in the literature in individuals affected with NF1-related conditions. Invitae Evidence Modeling of protein sequence and biophysical properties (such as structural, functional, and spatial information, amino acid conservation, physicochemical variation, residue mobility, and thermodynamic stability) indicates that this missense variant is expected to disrupt NF1 protein function with a positive predictive value of 95%. In summary, the available evidence is currently insufficient to determine the role of this variant in disease. Therefore, it has been classified as a Variant of Uncertain Significance.